The following is an entry in ClinVar:

NM_032043.3(BRIP1):c.1550del (p.Pro517fs)

Gene: BRIP1 (BRCA1 interacting DNA helicase 1; minus strand). Cytogenetic location: 17q23.2.
Variant type: Deletion.
Coding change: c.1550del on transcript NM_032043.3 (MANE Select); coding-DNA position 1550, one base deleted (C; older notation c.1550delC).
Protein change: p.Pro517fs; shifts the reading frame from proline 517.
Molecular consequence: frameshift variant.
Genome position (GRCh38, 1-based): chr17:61,784,348, G deleted on the plus strand (C on the coding strand, the reverse complement: BRIP1 is on the minus strand); the first of 2 consecutive G bases (chr17:61,784,348-61,784,349); deleting either gives the same sequence. VCF-style (leftmost placement, unchanged base first): chr17-61784347-AG-A. GRCh37 (hg19) VCF-style: chr17-59861708-AG-A.
Other names: c.1550delC (NM_032043.2); short protein forms P517fs.
Identifiers: ClinVar variation 4867931 (VCV004867931.1).
Genomic context (GRCh38, chr17:61,784,347, plus strand): 5'-AAGATAGTCAAGTACCATAAAAAGTCCTTTAAGCATTATTTGAGTTGATGCACTAATAAC[AG>A]GTACTTCTCTTGCCTCCTCTTTACCATAAATTGGTGAGATTTTTTCCTCTTTTTGAAGAA-3'

ClinVar aggregate classification (germline): Pathogenic (1 of 4 stars; one submission).

Conditions:
Hereditary cancer-predisposing syndrome. Also called: Neoplastic Syndromes, Hereditary; Tumor predisposition; Hereditary Cancer Syndrome; Hereditary neoplastic syndrome. Identifiers: Orphanet 140162, MedGen C0027672, MeSH D009386, MONDO:0015356.

Submission:

Ambry Genetics
Classification: Pathogenic for Hereditary cancer-predisposing syndrome. Last evaluated: 2026-05-26. Review status: criteria provided, single submitter. Criteria: Ambry Variant Classification Scheme 2023. Collection method: clinical testing. Allele origin: germline.
Comment: The c.1550delC pathogenic mutation, located in coding exon 10 of the BRIP1 gene, results from a deletion of one nucleotide at nucleotide position 1550, causing a translational frameshift with a predicted alternate stop codon (p.P517Lfs*9). This variant is considered to be rare based on population cohorts in the Genome Aggregation Database (gnomAD). This alteration is expected to result in loss of function by premature protein truncation or nonsense-mediated mRNA decay. As such, this alteration is interpreted as a disease-causing mutation.